The following is an entry in ClinVar:

ClinVar aggregate classification (germline): Uncertain significance. Review status: criteria provided, multiple submitters, no conflicts (2 of 4 stars). 2 submissions from 2 submitters: Uncertain significance (2). Last evaluated 2024-12-05.

Conditions:
Inborn genetic diseases. Identifiers: MedGen C0950123, MeSH D030342.
ELANE-related disorder. Also called: ELANE-related condition.

gnomAD v4.1: 5 of 1,613,478 alleles (0.00031%); highest among the groups gnomAD compares: Admixed American, 0.0067%; no homozygotes.

Submissions (2):

PreventionGenetics, part of Exact Sciences
Classification: Uncertain significance for ELANE-related condition. Last evaluated: 2024-12-05. Review status: criteria provided, single submitter. Criteria: ACMG Guidelines, 2015. Collection method: clinical testing. Allele origin: germline.
Comment: The ELANE c.692C>T variant is predicted to result in the amino acid substitution p.Ala231Val. To our knowledge, this variant has not been reported in the literature. This variant is reported in 0.0085% of alleles in individuals of Latino descent in gnomAD. At this time, the clinical significance of this variant is uncertain due to the absence of conclusive functional and genetic evidence.

Ambry Genetics
Classification: Uncertain significance for Inborn genetic diseases. Last evaluated: 2024-11-26. Review status: criteria provided, single submitter. Criteria: Ambry Variant Classification Scheme 2023. Collection method: clinical testing. Allele origin: germline.
Comment: The p.A231V variant (also known as c.692C>T), located in coding exon 5 of the ELANE gene, results from a C to T substitution at nucleotide position 692. The alanine at codon 231 is replaced by valine, an amino acid with similar properties. This amino acid position is conserved. In addition, this alteration is predicted to be tolerated by in silico analysis. Based on the available evidence, the clinical significance of this variant remains unclear.

NM_001972.4(ELANE):c.692C>T (p.Ala231Val)

Gene: ELANE (elastase, neutrophil expressed; plus strand). Cytogenetic location: 19p13.3.
Variant type: single nucleotide variant.
Coding change: c.692C>T on transcript NM_001972.4 (MANE Select); coding-DNA position 692, C replaced by T.
Protein change: p.Ala231Val; replaces alanine 231 with valine.
Molecular consequence: missense variant.
Genome position (GRCh38, 1-based): chr19:856,052, C>T. VCF-style: chr19-856052-C-T. GRCh37 (hg19) VCF-style: chr19-856052-C-T.
Other names: c.692C>T (NM_001972.3); short protein forms A231V.
Identifiers: ClinVar variation 3507761 (VCV003507761.2).